The following is an entry in ClinVar:

ClinVar aggregate classification (germline): Benign/Likely benign. Review status: criteria provided, multiple submitters, no conflicts (2 of 4 stars). 4 submissions from 4 submitters: Benign (1); Likely benign (3). Last evaluated 2026-01-20.

Conditions:
Mitochondrial complex IV deficiency, nuclear type 17. Also called: Mitochondrial complex 4 deficiency, nuclear type 17. Identifiers: MedGen C5436718, MONDO:0033652, OMIM 619061.

Allele frequency attached by ClinVar (database versions not stated): 1000 Genomes Project 30x 0.00016; TOPMed 0.00018.
gnomAD v4.1: 302 of 1,541,426 alleles (0.02%); highest among the groups gnomAD compares: Admixed American, 0.014%; 1 homozygote.

Submissions (4):

Labcorp Genetics (formerly Invitae), Labcorp
Classification: Benign. Last evaluated: 2026-01-20. Review status: criteria provided, single submitter. Criteria: Invitae Variant Classification Sherloc (09022015). Collection method: clinical testing. Allele origin: germline.

Blueprint Genetics
Classification: Likely benign. Last evaluated: 2024-04-23. Review status: criteria provided, single submitter. Criteria: ACMG Guidelines, 2015. Collection method: clinical testing. Allele origin: germline.

Fulgent Genetics
Classification: Likely benign for Mitochondrial complex IV deficiency, nuclear type 17. Last evaluated: 2021-07-27. Review status: criteria provided, single submitter. Criteria: ACMG Guidelines, 2015. Collection method: clinical testing. Allele origin: unknown.

GeneDx
Classification: Likely benign. Last evaluated: 2018-03-02. Review status: criteria provided, single submitter. Criteria: GeneDx Variant Classification (06012015). Collection method: clinical testing. Allele origin: germline. Affected: yes.
Comment: This variant is considered likely benign or benign based on one or more of the following criteria: it is a conservative change, it occurs at a poorly conserved position in the protein, it is predicted to be benign by multiple in silico algorithms, and/or has population frequency not consistent with disease.

NM_001370595.2(COA8):c.123+10G>A

Gene: COA8 (cytochrome c oxidase assembly factor 8; plus strand). Cytogenetic location: 14q32.33.
Variant type: single nucleotide variant.
Coding change: c.123+10G>A on transcript NM_001370595.2 (MANE Select); 10 bases into the intron after coding-DNA position 123, G replaced by A.
Molecular consequence: intron variant.
Genome position (GRCh38, 1-based): chr14:103,563,134, G>A. VCF-style: chr14-103563134-G-A. GRCh37 (hg19) VCF-style: chr14-104029471-G-A.
Other names: NM_001302652.2:c.123+10G>A; c.162+10G>A (NM_032374.4); c.123+10G>A (NM_001302653.2, NM_001302654.2).
Identifiers: ClinVar variation 515737 (VCV000515737.11), dbSNP rs751821020, ClinGen allele CA7365430.